The following is an entry in ClinVar:

NM_002055.5(GFAP):c.901G>C (p.Gly301Arg)

Gene: GFAP (glial fibrillary acidic protein; minus strand). Cytogenetic location: 17q21.31.
Variant type: single nucleotide variant.
Coding change: c.901G>C on transcript NM_002055.5 (MANE Select); coding-DNA position 901, G replaced by C.
Protein change: p.Gly301Arg; replaces glycine 301 with arginine.
Molecular consequence: missense variant.
Genome position (GRCh38, 1-based): chr17:44,911,677, C>G on the plus strand (G>C on the coding strand, the complement: GFAP is on the minus strand). VCF-style: chr17-44911677-C-G. GRCh37 (hg19) VCF-style: chr17-42989045-C-G.
Other names: c.901G>C, p.Gly301Arg (NM_001131019.3, NM_001242376.3, NM_001363846.2); short protein forms G301R.
Identifiers: ClinVar variation 2087002 (VCV002087002.6), dbSNP rs1265636628, ClinGen allele CA399844527.
Genomic context (GRCh38, chr17:44,911,677, plus strand): 5'-CCTGGGGTGGCCGTCCCTGCTCCGCCCGTCCCCGTCCTGCCCTGGCCGCGCTCACCGTGC[C>G]GCGCAGAGACTCCAGGTCGCAGGTCAAGGACTGCAACTGGCGCCGGTAGTCGTTGGCTTC-3'
Protein context (NP_002046.1, residues 291-311): SLTCDLESLR[Gly301Arg]TNESLERQMR

ClinVar aggregate classification (germline): Uncertain significance. Review status: criteria provided, multiple submitters, no conflicts (2 of 4 stars). 2 submissions from 2 submitters: Uncertain significance (2). Last evaluated 2026-04-01.

gnomAD v4.1: 7 of 1,612,938 alleles (0.00043%); highest among the groups gnomAD compares: South Asian, 0.0022%; no homozygotes.

Submissions (2):

CeGaT Center for Human Genetics Tuebingen
Classification: Uncertain significance. Last evaluated: 2026-04-01. Review status: criteria provided, single submitter. Criteria: CeGaT Center For Human Genetics Tuebingen Variant Classification Criteria Version 2. Collection method: clinical testing. Allele origin: germline. Affected: yes. Observed: 1 variant allele.
Comment: GFAP: PM2

Labcorp Genetics (formerly Invitae), Labcorp
Classification: Uncertain significance. Last evaluated: 2022-08-15. Review status: criteria provided, single submitter. Criteria: Invitae Variant Classification Sherloc (09022015). Collection method: clinical testing. Allele origin: germline.
Comment: In summary, the available evidence is currently insufficient to determine the role of this variant in disease. Therefore, it has been classified as a Variant of Uncertain Significance. Algorithms developed to predict the effect of missense changes on protein structure and function are either unavailable or do not agree on the potential impact of this missense change (SIFT: "Deleterious"; PolyPhen-2: "Possibly Damaging"; Align-GVGD: "Class C15"). This variant has not been reported in the literature in individuals affected with GFAP-related conditions. This variant is present in population databases (no rsID available, gnomAD 0.003%). This sequence change replaces glycine, which is neutral and non-polar, with arginine, which is basic and polar, at codon 301 of the GFAP protein (p.Gly301Arg).